The following is an entry in ClinVar:

NM_005592.4(MUSK):c.2014C>T (p.Pro672Ser)

Gene: MUSK (muscle associated receptor tyrosine kinase; plus strand). Cytogenetic location: 9q31.3.
Variant type: single nucleotide variant.
Coding change: c.2014C>T on transcript NM_005592.4 (MANE Select); coding-DNA position 2014, C replaced by T.
Protein change: p.Pro672Ser; replaces proline 672 with serine.
Molecular consequence: missense variant.
Genome position (GRCh38, 1-based): chr9:110,800,392, C>T. VCF-style: chr9-110800392-C-T. GRCh37 (hg19) VCF-style: chr9-113562672-C-T.
Other names: c.1756C>T, p.Pro586Ser (NM_001166280.2); c.1726C>T, p.Pro576Ser (NM_001166281.2); c.754C>T, p.Pro252Ser (NM_001369398.1); short protein forms P672S, P252S, P586S, P576S.
Identifiers: ClinVar variation 542741 (VCV000542741.8), dbSNP rs779042240, ClinGen allele CA5184555.

ClinVar aggregate classification (germline): Uncertain significance. Review status: criteria provided, multiple submitters, no conflicts (2 of 4 stars). 2 submissions from 2 submitters: Uncertain significance (2). Last evaluated 2022-08-03.

Conditions:
Congenital myasthenic syndrome 9. Also called: Myasthenic syndrome, congenital, 9, associated with acetylcholine receptor deficiency. Identifiers: Orphanet 590, MedGen C4225368, MONDO:0014587, OMIM 616325.
Fetal akinesia deformation sequence 1 (FADS1). Also called: Pena-Shokeir syndrome type I; Fetal akinesia sequence. Identifiers: Orphanet 994, MedGen C1276035, MONDO:0100101, OMIM 208150, HP:0001989.

Allele frequency attached by ClinVar (database versions not stated): gnomAD exomes 0.00001 and 0.00002; ExAC 0.00002.
gnomAD v4.1: 13 of 1,613,836 alleles (0.00081%); highest among the groups gnomAD compares: South Asian, 0.014%; no homozygotes.

Submissions (2):

Labcorp Genetics (formerly Invitae), Labcorp
Classification: Uncertain significance for Congenital myasthenic syndrome 9; Fetal akinesia deformation sequence 1. Last evaluated: 2022-08-03. Review status: criteria provided, single submitter. Criteria: Invitae Variant Classification Sherloc (09022015). Collection method: clinical testing. Allele origin: germline.
Comment: This sequence change replaces proline, which is neutral and non-polar, with serine, which is neutral and polar, at codon 672 of the MUSK protein (p.Pro672Ser). This variant is present in population databases (rs779042240, gnomAD 0.02%). This variant has not been reported in the literature in individuals affected with MUSK-related conditions. ClinVar contains an entry for this variant (Variation ID: 542741). Advanced modeling of protein sequence and biophysical properties (such as structural, functional, and spatial information, amino acid conservation, physicochemical variation, residue mobility, and thermodynamic stability) performed at Invitae indicates that this missense variant is expected to disrupt MUSK protein function. In summary, the available evidence is currently insufficient to determine the role of this variant in disease. Therefore, it has been classified as a Variant of Uncertain Significance.

Revvity Omics, Revvity
Classification: Uncertain significance. Last evaluated: 2019-11-03. Review status: criteria provided, single submitter. Criteria: ACMG Guidelines, 2015. Collection method: clinical testing. Allele origin: germline.